The following is an entry in ClinVar:

ClinVar aggregate classification (germline): Uncertain significance (1 of 4 stars; one submission).

Conditions:
Inborn genetic diseases. Identifiers: MedGen C0950123, MeSH D030342.

gnomAD v4.1: 2 of 1,613,870 alleles (0.00012%); highest among the groups gnomAD compares: Non-Finnish European, 0.000085%; no homozygotes.

Submission:

Ambry Genetics
Classification: Uncertain significance for Inborn genetic diseases. Last evaluated: 2026-08-07. Review status: criteria provided, single submitter. Criteria: Ambry Variant Classification Scheme 2023. Collection method: clinical testing. Allele origin: germline.
Comment: The p.K1900R variant (also known as c.5699A>G), located in coding exon 21 of the FANCM gene, results from an A to G substitution at nucleotide position 5699. The lysine at codon 1900 is replaced by arginine, an amino acid with highly similar properties. This amino acid position is conserved. In addition, the in silico prediction for this alteration is inconclusive. Based on the available evidence, the clinical significance of this variant remains unclear.

NM_020937.4(FANCM):c.5699A>G (p.Lys1900Arg)

Gene: FANCM (FA complementation group M; plus strand). Cytogenetic location: 14q21.2.
Variant type: single nucleotide variant.
Coding change: c.5699A>G on transcript NM_020937.4 (MANE Select); coding-DNA position 5699, A replaced by G.
Protein change: p.Lys1900Arg; replaces lysine 1900 with arginine.
Molecular consequence: missense variant.
Genome position (GRCh38, 1-based): chr14:45,196,530, A>G. VCF-style: chr14-45196530-A-G. GRCh37 (hg19) VCF-style: chr14-45665733-A-G.
Other names: c.5621A>G, p.Lys1874Arg (NM_001308133.2); short protein forms K1874R, K1900R.
Identifiers: ClinVar variation 5036663 (VCV005036663.1).